The following is an entry in ClinVar:

ClinVar aggregate classification (germline): Pathogenic (1 of 4 stars; one submission).

Conditions:
Fetal anomalies with a likely genetic cause.

Submission:

Genetics Laboratory, Great Ormond Street Hospital NHS Foundation Trust, North Thames Genomic Laboratory Hub
Classification: Pathogenic for Fetal anomalies with a likely genetic cause. Last evaluated: 2026-07-15. Review status: criteria provided, single submitter. Criteria: ACGS Best Practice Guidelines for Variant Classification in Rare Disease 2024 v1.2. Collection method: clinical testing. Allele origin: germline. Affected: yes.
Comment: PM2_moderate, PVS1_very-strong

NM_018136.5(ASPM):c.82dup (p.Ala28fs)

Gene: ASPM (assembly factor for spindle microtubules; minus strand). Cytogenetic location: 1q31.3.
Variant type: Duplication.
Coding change: c.82dup on transcript NM_018136.5 (MANE Select); coding-DNA position 82, one base duplicated (G; older notation c.82dupG).
Protein change: p.Ala28fs; shifts the reading frame from alanine 28.
Molecular consequence: frameshift variant.
Genome position (GRCh38, 1-based): chr1:197,146,356, C duplicated on the plus strand (G on the coding strand, the reverse complement: ASPM is on the minus strand). VCF-style (leftmost placement, unchanged base first): chr1-197146355-G-GC. GRCh37 (hg19) VCF-style: chr1-197115485-G-GC.
Other names: c.82dup, p.Ala28fs (NM_001206846.2); short protein forms A28fs.
Identifiers: ClinVar variation 4890845 (VCV004890845.1).